The following is an entry in ClinVar:

ClinVar aggregate classification (germline): Uncertain significance (1 of 4 stars; one submission).

Conditions:
Oligodontia-cancer predisposition syndrome. Also called: TOOTH AGENESIS-COLORECTAL CANCER SYNDROME. Identifiers: Orphanet 300576, MedGen C1837750, MONDO:0012075, OMIM 608615. Disease mechanism: loss of function.

gnomAD v4.1: 3 of 1,614,160 alleles (0.00019%); highest among the groups gnomAD compares: Non-Finnish European, 0.00025%; no homozygotes.

Submission:

Labcorp Genetics (formerly Invitae), Labcorp
Classification: Uncertain significance for Oligodontia-cancer predisposition syndrome. Last evaluated: 2021-11-09. Review status: criteria provided, single submitter. Criteria: Invitae Variant Classification Sherloc (09022015). Collection method: clinical testing. Allele origin: germline.
Comment: In summary, the available evidence is currently insufficient to determine the role of this variant in disease. Therefore, it has been classified as a Variant of Uncertain Significance. This sequence change replaces alanine, which is neutral and non-polar, with aspartic acid, which is acidic and polar, at codon 208 of the AXIN2 protein (p.Ala208Asp). This variant is not present in population databases (gnomAD no frequency). This variant has not been reported in the literature in individuals affected with AXIN2-related conditions. Algorithms developed to predict the effect of missense changes on protein structure and function are either unavailable or do not agree on the potential impact of this missense change (SIFT: "Tolerated"; PolyPhen-2: "Possibly Damaging"; Align-GVGD: "Class C0").

NM_004655.4(AXIN2):c.623C>A (p.Ala208Asp)

Gene: AXIN2 (axin 2; minus strand). Cytogenetic location: 17q24.1.
Variant type: single nucleotide variant.
Coding change: c.623C>A on transcript NM_004655.4 (MANE Select); coding-DNA position 623, C replaced by A.
Protein change: p.Ala208Asp; replaces alanine 208 with aspartic acid.
Molecular consequence: missense variant.
Genome position (GRCh38, 1-based): chr17:65,557,998, G>T on the plus strand (C>A on the coding strand, the complement: AXIN2 is on the minus strand). VCF-style: chr17-65557998-G-T. GRCh37 (hg19) VCF-style: chr17-63554116-G-T.
Other names: c.623C>A, p.Ala208Asp (NM_001363813.1); short protein forms A208D.
Identifiers: ClinVar variation 1392273 (VCV001392273.6), dbSNP rs201531372, ClinGen allele CA400680636.